The following is an entry in ClinVar:

ClinVar aggregate classification (germline): Uncertain significance (1 of 4 stars; one submission).

gnomAD v4.1: 3 of 1,607,622 alleles (0.00019%); highest among the groups gnomAD compares: Non-Finnish European, 0.00025%; no homozygotes.

Submission:

Labcorp Genetics (formerly Invitae), Labcorp
Classification: Uncertain significance. Last evaluated: 2022-01-12. Review status: criteria provided, single submitter. Criteria: Invitae Variant Classification Sherloc (09022015). Collection method: clinical testing. Allele origin: germline.
Comment: In summary, the available evidence is currently insufficient to determine the role of this variant in disease. Therefore, it has been classified as a Variant of Uncertain Significance. Algorithms developed to predict the effect of missense changes on protein structure and function are either unavailable or do not agree on the potential impact of this missense change (SIFT: "Deleterious"; PolyPhen-2: "Probably Damaging"; Align-GVGD: "Class C0"). This variant has not been reported in the literature in individuals affected with ADGRV1-related conditions. This variant is not present in population databases (gnomAD no frequency). This sequence change replaces proline, which is neutral and non-polar, with arginine, which is basic and polar, at codon 389 of the ADGRV1 protein (p.Pro389Arg).

NM_032119.4(ADGRV1):c.1166C>G (p.Pro389Arg)

Gene: ADGRV1 (adhesion G protein-coupled receptor V1; plus strand). Cytogenetic location: 5q14.3.
Variant type: single nucleotide variant.
Coding change: c.1166C>G on transcript NM_032119.4 (MANE Select); coding-DNA position 1166, C replaced by G.
Protein change: p.Pro389Arg; replaces proline 389 with arginine.
Molecular consequence: missense variant. On other transcripts: non-coding transcript variant (1).
Genome position (GRCh38, 1-based): chr5:90,627,704, C>G. VCF-style: chr5-90627704-C-G. GRCh37 (hg19) VCF-style: chr5-89923521-C-G.
Other names: short protein forms P389R.
Identifiers: ClinVar variation 2081082 (VCV002081082.4), dbSNP rs1460319427, ClinGen allele CA360370034.
Genomic context (GRCh38, chr5:90,627,704, plus strand): 5'-GAGATGCTGTGCTAATAAGCCCTTCTGTTGTACAAGTCACCATTAAGCCAAATGATAAAC[C>G]TTATGGAGTCCTTTCATTCAACAGTGTTTTGTTTGAAAGGACAGTTATAATTGATGAAGA-3'
Protein context (NP_115495.3, residues 379-399): VQVTIKPNDK[Pro389Arg]YGVLSFNSVL